The following is an entry in ClinVar:

ClinVar aggregate classification (germline): Uncertain significance (1 of 4 stars; one submission).

gnomAD v4.1: 2 of 1,596,564 alleles (0.00013%); highest among the groups gnomAD compares: Admixed American, 0.0036%; no homozygotes.

Submission:

Labcorp Genetics (formerly Invitae), Labcorp
Classification: Uncertain significance. Last evaluated: 2024-05-20. Review status: criteria provided, single submitter. Criteria: Invitae Variant Classification Sherloc (09022015). Collection method: clinical testing. Allele origin: germline.
Comment: This sequence change replaces alanine, which is neutral and non-polar, with threonine, which is neutral and polar, at codon 598 of the DHX37 protein (p.Ala598Thr). The frequency data for this variant in the population databases is considered unreliable, as metrics indicate poor data quality at this position in the gnomAD database. This variant has not been reported in the literature in individuals affected with DHX37-related conditions. Advanced modeling of protein sequence and biophysical properties (such as structural, functional, and spatial information, amino acid conservation, physicochemical variation, residue mobility, and thermodynamic stability) performed at Invitae indicates that this missense variant is not expected to disrupt DHX37 protein function with a negative predictive value of 80%. In summary, the available evidence is currently insufficient to determine the role of this variant in disease. Therefore, it has been classified as a Variant of Uncertain Significance.

NM_032656.4(DHX37):c.1792G>A (p.Ala598Thr)

Gene: DHX37 (DEAH-box helicase 37; minus strand). Cytogenetic location: 12q24.31.
Variant type: single nucleotide variant.
Coding change: c.1792G>A on transcript NM_032656.4 (MANE Select); coding-DNA position 1792, G replaced by A.
Protein change: p.Ala598Thr; replaces alanine 598 with threonine.
Molecular consequence: missense variant.
Genome position (GRCh38, 1-based): chr12:124,964,950, C>T on the plus strand (G>A on the coding strand, the complement: DHX37 is on the minus strand). VCF-style: chr12-124964950-C-T. GRCh37 (hg19) VCF-style: chr12-125449496-C-T.
Other names: short protein forms A598T.
Identifiers: ClinVar variation 3718686 (VCV003718686.2).
Genomic context (GRCh38, chr12:124,964,950, plus strand): 5'-AAAGTGCCCCAAAAGCTGGGCACCGGCCCAGCACGGTTACCTGTGCTTGCTTCTCTGGGG[C>T]CAGCAGAGAGTACAGCGGGAGCACGTGGAGCGGGAGGGAGGCATCCGGCTGCTCACCTGG-3'
Protein context (NP_116045.2, residues 588-608): LHVLPLYSLL[Ala598Thr]PEKQAQVFKP